The following is an entry in ClinVar:

NM_025137.4(SPG11):c.1324G>A (p.Glu442Lys)

Gene: SPG11 (SPG11 vesicle trafficking associated, spatacsin; minus strand). Cytogenetic location: 15q21.1.
Variant type: single nucleotide variant.
Coding change: c.1324G>A on transcript NM_025137.4 (MANE Select); coding-DNA position 1324, G replaced by A.
Protein change: p.Glu442Lys; replaces glutamic acid 442 with lysine.
Molecular consequence: missense variant.
Genome position (GRCh38, 1-based): chr15:44,651,623, C>T on the plus strand (G>A on the coding strand, the complement: SPG11 is on the minus strand). VCF-style: chr15-44651623-C-T. GRCh37 (hg19) VCF-style: chr15-44943821-C-T.
Other names: c.1324G>A, p.Glu442Lys (NM_001160227.2); short protein forms E442K.
Identifiers: ClinVar variation 645613 (VCV000645613.8), dbSNP rs1453401298, ClinGen allele CA392236096.

ClinVar aggregate classification (germline): Uncertain significance (1 of 4 stars; one submission).

Conditions:
Hereditary spastic paraplegia 11. Also called: SPASTIC PARAPLEGIA, AUTOSOMAL RECESSIVE, COMPLICATED, WITH THIN CORPUS CALLOSUM; SPASTIC PARAPLEGIA, AUTOSOMAL RECESSIVE, WITH MENTAL IMPAIRMENT AND THIN CORPUS CALLOSUM; Spastic Paraplegia 11; Nakamura Osame syndrome; Autosomal recessive hereditary spastic paraplegia, mental impairment, and thin corpus callosum; Spastic paraplegia, mental retardation and thin corpus callosum. Identifiers: Orphanet 2822, MedGen C1858479, MONDO:0011445, OMIM 604360.

Allele frequency attached by ClinVar (database versions not stated): gnomAD exomes below 0.00001; TOPMed below 0.00001; gnomAD 0.00001.
gnomAD v4.1: 3 of 1,614,090 alleles (0.00019%); highest among the groups gnomAD compares: East Asian, 0.0022%; no homozygotes.

Submission:

Labcorp Genetics (formerly Invitae), Labcorp
Classification: Uncertain significance for Hereditary spastic paraplegia 11. Last evaluated: 2018-10-03. Review status: criteria provided, single submitter. Criteria: Invitae Variant Classification Sherloc (09022015). Collection method: clinical testing. Allele origin: germline.
Comment: This sequence change replaces glutamic acid with lysine at codon 442 of the SPG11 protein (p.Glu442Lys). The glutamic acid residue is weakly conserved and there is a small physicochemical difference between glutamic acid and lysine. This variant is not present in population databases (ExAC no frequency). This variant has not been reported in the literature in individuals with SPG11-related disease. Algorithms developed to predict the effect of missense changes on protein structure and function (SIFT, PolyPhen-2, Align-GVGD) all suggest that this variant is likely to be tolerated, but these predictions have not been confirmed by published functional studies and their clinical significance is uncertain. In summary, the available evidence is currently insufficient to determine the role of this variant in disease. Therefore, it has been classified as a Variant of Uncertain Significance.